The following is an entry in ClinVar:

ClinVar aggregate classification (germline): Pathogenic (1 of 4 stars; one submission).

Conditions:
Familial cancer of breast. Also called: Hereditary breast cancer; hereditary breast carcinoma; BREAST CANCER, FAMILIAL. Identifiers: Orphanet 227535, MedGen C0346153, MONDO:0016419, OMIM 114480. Disease mechanism: loss of function.

Submission:

Labcorp Genetics (formerly Invitae), Labcorp
Classification: Pathogenic for Familial cancer of breast. Last evaluated: 2025-09-30. Review status: criteria provided, single submitter. Criteria: Invitae Variant Classification Sherloc (09022015). Collection method: clinical testing. Allele origin: germline.
Comment: This sequence change creates a premature translational stop signal (p.Ser220Cysfs*14) in the PALB2 gene. It is expected to result in an absent or disrupted protein product. Loss-of-function variants in PALB2 are known to be pathogenic (PMID: 17200668, 17200671, 17200672, 24136930, 25099575). This variant is not present in population databases (gnomAD no frequency). This premature translational stop signal has been observed in individual(s) with breast cancer (PMID: 27798748). For these reasons, this variant has been classified as Pathogenic.

Literature cited by the submitters: PubMed 17200668; PubMed 17200671; PubMed 17200672; PubMed 24136930; PubMed 25099575; PubMed 27798748.

NM_024675.4(PALB2):c.658_659del (p.Ser220fs)

Gene: PALB2 (partner and localizer of BRCA2; minus strand). Cytogenetic location: 16p12.2.
Variant type: Deletion.
Coding change: c.658_659del on transcript NM_024675.4 (MANE Select); coding-DNA positions 658 to 659, 2 bases deleted (AG; older notation c.658_659delAG).
Protein change: p.Ser220fs; shifts the reading frame from serine 220.
Molecular consequence: frameshift variant. On other transcripts: 5 prime UTR variant (8), intron variant (3).
Genome position (GRCh38, 1-based): chr16:23,635,887-23,635,888, CT deleted on the plus strand (AG on the coding strand, the reverse complement: PALB2 is on the minus strand). VCF-style (leftmost placement, unchanged base first): chr16-23635886-ACT-A. GRCh37 (hg19) VCF-style: chr16-23647207-ACT-A.
Other names: c.598_599del, p.Ser200fs (NM_001407296.1); c.658_659del, p.Ser220fs (NM_001407297.1, NM_001407298.1, NM_001407299.1 and 3 more transcripts); c.-228_-227del (NM_001407304.1, NM_001407305.1, NM_001407306.1 and 5 more transcripts); c.48+5222_48+5223del (NM_001407314.1); c.-105+5222_-105+5223del (NM_001407313.1, NM_001407312.1); short protein forms S200fs, S220fs.
Identifiers: ClinVar variation 4727903 (VCV004727903.1).